The following is an entry in ClinVar:

NM_000179.3(MSH6):c.1842C>T (p.Ser614=)

Gene: MSH6 (mutS homolog 6; plus strand). Cytogenetic location: 2p16.3.
Variant type: single nucleotide variant.
Coding change: c.1842C>T on transcript NM_000179.3 (MANE Select); coding-DNA position 1842, C replaced by T.
Protein change: p.Ser614=; no amino-acid change (serine 614 retained).
Molecular consequence: synonymous variant. On other transcripts: non-coding transcript variant (4), intron variant (2).
Genome position (GRCh38, 1-based): chr2:47,799,825, C>T. VCF-style: chr2-47799825-C-T. GRCh37 (hg19) VCF-style: chr2-48026964-C-T.
Other names: c.1452C>T, p.Ser484= (NM_001281492.2); c.936C>T, p.Ser312= (NM_001281493.2, NM_001281494.2, NM_001406811.1 and 6 more transcripts); c.1938C>T, p.Ser646= (NM_001406795.1, NM_001406802.1); c.1842C>T, p.Ser614= (NM_001406796.1, NM_001406798.1, NM_001406800.1 and 3 more transcripts); c.1545C>T, p.Ser515= (NM_001406797.1, NM_001406801.1, NM_001406805.1 and 10 more transcripts); c.1317C>T, p.Ser439= (NM_001406799.1, NM_001406806.1, NM_001406807.1); c.1764C>T, p.Ser588= (NM_001406804.1); c.1848C>T, p.Ser616= (NM_001406813.1); and 3 more.
Identifiers: ClinVar variation 3071241 (VCV003071241.2), dbSNP rs1057523520, ClinGen allele CA426121244.
Genomic context (GRCh38, chr2:47,799,825, plus strand): 5'-TTTATTTGAAAAAGGAAATCTCTCAAAGGAAACTAAAACAATTCTAAAGAGTTCATTGTC[C>T]TGTTCTCTTCAGGAAGGTCTGATACCCGGCTCCCAGTTTTGGGATGCATCCAAAACTTTG-3'
Protein context (NP_000170.1, residues 604-624): ETKTILKSSL[Ser614=]CSLQEGLIPG

ClinVar aggregate classification (germline): Likely benign. Review status: criteria provided, multiple submitters, no conflicts (2 of 4 stars). 2 submissions from 2 submitters: Likely benign (2). Last evaluated 2024-10-13.

Conditions:
Lynch syndrome. Identifiers: Orphanet 144, MedGen C4552100, MONDO:0005835. Disease mechanism: loss of function.
Hereditary cancer-predisposing syndrome. Also called: Hereditary neoplastic syndrome; Hereditary Cancer Syndrome; Neoplastic Syndromes, Hereditary; Tumor predisposition. Identifiers: Orphanet 140162, MedGen C0027672, MeSH D009386, MONDO:0015356.

Allele frequency attached by ClinVar (database versions not stated): TOPMed below 0.00001; gnomAD 0.00001.
gnomAD v4.1: 2 of 1,614,068 alleles (0.00012%); highest among the groups gnomAD compares: Non-Finnish European, 0.00017%; no homozygotes.

Submissions (2):

Ambry Genetics
Classification: Likely benign for Hereditary cancer-predisposing syndrome. Last evaluated: 2024-10-13. Review status: criteria provided, single submitter. Criteria: Ambry Variant Classification Scheme 2023. Collection method: clinical testing. Allele origin: germline.

All of Us Research Program, National Institutes of Health
Classification: Likely benign for Lynch syndrome. Last evaluated: 2023-05-16. Review status: criteria provided, single submitter. Criteria: ACMG Guidelines, 2015. Collection method: clinical testing. Allele origin: germline. Inheritance: Autosomal dominant inheritance. Observed: 1 variant allele, 1 heterozygote.
Comment: This study involves interpretation of variants in research participants for the purpose of population health screening. Participant phenotype was not available at the time of variant classification. Additional details can be found in publication PMID: 35346344, PMCID: PMC8962531